The following is an entry in ClinVar:

ClinVar aggregate classification (germline): Conflicting classifications of pathogenicity. Review status: criteria provided, conflicting classifications (1 of 4 stars). 2 submissions from 2 submitters: Uncertain significance (1); Likely benign (1). Last evaluated 2025-12-05.

Conditions:
Hereditary cancer-predisposing syndrome. Also called: Neoplastic Syndromes, Hereditary; Hereditary Cancer Syndrome; Tumor predisposition; Hereditary neoplastic syndrome. Identifiers: Orphanet 140162, MedGen C0027672, MeSH D009386, MONDO:0015356.

Submissions (2):

Ambry Genetics
Classification: Likely benign for Hereditary cancer-predisposing syndrome. Last evaluated: 2025-12-05. Review status: criteria provided, single submitter. Criteria: Ambry Variant Classification Scheme 2023. Collection method: clinical testing. Allele origin: germline.

Labcorp Genetics (formerly Invitae), Labcorp
Classification: Uncertain significance. Last evaluated: 2024-10-21. Review status: criteria provided, single submitter. Criteria: Invitae Variant Classification Sherloc (09022015). Collection method: clinical testing. Allele origin: germline.
Comment: This sequence change replaces valine, which is neutral and non-polar, with alanine, which is neutral and non-polar, at codon 1002 of the POLE protein (p.Val1002Ala). This variant is not present in population databases (gnomAD no frequency). This variant has not been reported in the literature in individuals affected with POLE-related conditions. ClinVar contains an entry for this variant (Variation ID: 1471953). Invitae Evidence Modeling of protein sequence and biophysical properties (such as structural, functional, and spatial information, amino acid conservation, physicochemical variation, residue mobility, and thermodynamic stability) indicates that this missense variant is not expected to disrupt POLE protein function with a negative predictive value of 80%. In summary, the available evidence is currently insufficient to determine the role of this variant in disease. Therefore, it has been classified as a Variant of Uncertain Significance.

NM_006231.4(POLE):c.3005T>C (p.Val1002Ala)

Gene: POLE (DNA polymerase epsilon, catalytic subunit; minus strand). Cytogenetic location: 12q24.33.
Variant type: single nucleotide variant.
Coding change: c.3005T>C on transcript NM_006231.4 (MANE Select); coding-DNA position 3005, T replaced by C.
Protein change: p.Val1002Ala; replaces valine 1002 with alanine.
Molecular consequence: missense variant.
Genome position (GRCh38, 1-based): chr12:132,661,024, A>G on the plus strand (T>C on the coding strand, the complement: POLE is on the minus strand). VCF-style: chr12-132661024-A-G. GRCh37 (hg19) VCF-style: chr12-133237610-A-G.
Other names: c.3005T>C (NM_006231.2); short protein forms V1002A.
Identifiers: ClinVar variation 1471953 (VCV001471953.7), dbSNP rs2138689635, ClinGen allele CA387392302.